The following is an entry in ClinVar:

ClinVar aggregate classification (germline): Uncertain significance (1 of 4 stars; one submission).

Conditions:
Aicardi-Goutieres syndrome 6 (AGS6). Identifiers: Orphanet 51, MedGen C3539013, MONDO:0014007, OMIM 615010.
Symmetrical dyschromatosis of extremities (DSH). Also called: RETICULATE ACROPIGMENTATION OF DOHI; SYMMETRIC DYSCHROMATOSIS OF THE EXTREMITIES; DYSCHROMATOSIS SYMMETRICA HEREDITARIA 1; Dyschromatosis symmetrica hereditaria. Identifiers: Orphanet 41, MedGen C0406775, MONDO:0007483, OMIM 127400.

Allele frequency attached by ClinVar (database versions not stated): ExAC 0.00002.
gnomAD v4.1: 9 of 1,614,028 alleles (0.00056%); highest among the groups gnomAD compares: Non-Finnish European, 0.00059%; no homozygotes.

Submission:

Labcorp Genetics (formerly Invitae), Labcorp
Classification: Uncertain significance for Aicardi-Goutieres syndrome 6; Symmetrical dyschromatosis of extremities. Last evaluated: 2021-11-17. Review status: criteria provided, single submitter. Criteria: Invitae Variant Classification Sherloc (09022015). Collection method: clinical testing. Allele origin: germline.
Comment: This sequence change replaces proline, which is neutral and non-polar, with serine, which is neutral and polar, at codon 663 of the ADAR protein (p.Pro663Ser). This variant is present in population databases (rs763748775, gnomAD 0.002%). This variant has not been reported in the literature in individuals affected with ADAR-related conditions. Algorithms developed to predict the effect of missense changes on protein structure and function are either unavailable or do not agree on the potential impact of this missense change (SIFT: "Tolerated"; PolyPhen-2: "Probably Damaging"; Align-GVGD: "Class C0"). In summary, the available evidence is currently insufficient to determine the role of this variant in disease. Therefore, it has been classified as a Variant of Uncertain Significance.

NM_001111.5(ADAR):c.1987C>T (p.Pro663Ser)

Gene: ADAR (adenosine deaminase RNA specific; minus strand). Cytogenetic location: 1q21.3.
Variant type: single nucleotide variant.
Coding change: c.1987C>T on transcript NM_001111.5 (MANE Select); coding-DNA position 1987, C replaced by T.
Protein change: p.Pro663Ser; replaces proline 663 with serine.
Molecular consequence: missense variant.
Genome position (GRCh38, 1-based): chr1:154,597,215, G>A on the plus strand (C>T on the coding strand, the complement: ADAR is on the minus strand). VCF-style: chr1-154597215-G-A. GRCh37 (hg19) VCF-style: chr1-154569691-G-A.
Other names: c.1987C>T, p.Pro663Ser (NM_015840.4, NM_015841.4); c.1102C>T, p.Pro368Ser (NM_001025107.3, NM_001193495.2, NM_001365046.1 and 3 more transcripts); c.2014C>T, p.Pro672Ser (NM_001365045.1); short protein forms P368S, P663S, P672S.
Identifiers: ClinVar variation 1386881 (VCV001386881.6), dbSNP rs763748775, ClinGen allele CA1131405.